The following is an entry in ClinVar:

ClinVar aggregate classification (germline): Uncertain significance (1 of 4 stars; one submission).

Conditions:
Inborn genetic diseases. Identifiers: MedGen C0950123, MeSH D030342.

Allele frequency attached by ClinVar (database versions not stated): ExAC 0.00001; gnomAD 0.00001; gnomAD exomes 0.00001; TOPMed 0.00001.
gnomAD v4.1: 18 of 1,614,016 alleles (0.0011%); highest among the groups gnomAD compares: Middle Eastern, 0.016%; no homozygotes.

Submission:

Ambry Genetics
Classification: Uncertain significance for Inborn genetic diseases. Last evaluated: 2022-05-03. Review status: criteria provided, single submitter. Criteria: Ambry Variant Classification Scheme 2023. Collection method: clinical testing. Allele origin: germline.
Comment: The p.T649M variant (also known as c.1946C>T), located in coding exon 5 of the BICD2 gene, results from a C to T substitution at nucleotide position 1946. The threonine at codon 649 is replaced by methionine, an amino acid with similar properties. This amino acid position is conserved. In addition, this alteration is predicted to be tolerated by in silico analysis. Since supporting evidence is limited at this time, the clinical significance of this alteration remains unclear.

NM_001003800.2(BICD2):c.1946C>T (p.Thr649Met)

Gene: BICD2 (BICD cargo adaptor 2; minus strand). Cytogenetic location: 9q22.31.
Variant type: single nucleotide variant.
Coding change: c.1946C>T on transcript NM_001003800.2 (MANE Select); coding-DNA position 1946, C replaced by T.
Protein change: p.Thr649Met; replaces threonine 649 with methionine.
Molecular consequence: missense variant.
Genome position (GRCh38, 1-based): chr9:92,718,699, G>A on the plus strand (C>T on the coding strand, the complement: BICD2 is on the minus strand). VCF-style: chr9-92718699-G-A. GRCh37 (hg19) VCF-style: chr9-95480981-G-A.
Other names: c.1946C>T, p.Thr649Met (NM_015250.4); short protein forms T649M.
Identifiers: ClinVar variation 1783130 (VCV001783130.2), dbSNP rs769925371, ClinGen allele CA5126447.